The following is an entry in ClinVar:

NM_018901.4(PCDHA10):c.2052C>T (p.Gly684=)

Genes: PCDHA1 (protocadherin alpha 1; plus strand), PCDHA10 (protocadherin alpha 10; plus strand), PCDHA2 (protocadherin alpha 2; plus strand), PCDHA3 (protocadherin alpha 3; plus strand), PCDHA4 (protocadherin alpha 4; plus strand) and 6 more. Cytogenetic location: 5q31.3.
Variant type: single nucleotide variant.
Coding change: c.2052C>T on transcript NM_018901.4 (MANE Select); coding-DNA position 2052, C replaced by T.
Protein change: p.Gly684=; no amino-acid change (glycine 684 retained).
Molecular consequence: synonymous variant. On other transcripts: intron variant (12).
Genome position (GRCh38, 1-based): chr5:140,858,100, C>T. VCF-style: chr5-140858100-C-T. GRCh37 (hg19) VCF-style: chr5-140237685-C-T.
Other names: c.2052C>T, p.Gly684= (NM_031859.3); c.2394+69416C>T (NM_018900.4); c.1602+70208C>T (NM_031411.3); c.2388+60748C>T (NM_018905.3); c.2394+54509C>T (NM_018906.3); c.2385+48528C>T (NM_018907.4); c.2352+33973C>T (NM_018908.3); c.2394+27615C>T (NM_018909.4); and 5 more.
Identifiers: ClinVar variation 2673030 (VCV002673030.23), dbSNP rs368579908, ClinGen allele CA3451366.
Genomic context (GRCh38, chr5:140,858,100, plus strand): 5'-GCTTGTGTCGCTTGTGGAGGGCAGCCAGGCACCCAAGGCCTCGTCGCGGGCTTCAGTGGG[C>T]GTGGCGCCCGAGGTGGCCCTGGTGGATGTCAACGTGTACCTGATCATCGCCATCTGCGCG-3'
Protein context (NP_061724.1, residues 674-694): APKASSRASV[Gly684=]VAPEVALVDV

ClinVar aggregate classification (germline): Likely benign (1 of 4 stars; one submission).

Allele frequency attached by ClinVar (database versions not stated): TOPMed 0.00007; ExAC 0.00009; gnomAD 0.00010; ESP Exome Variant Server 0.00042.
gnomAD v4.1: 202 of 1,597,586 alleles (0.013%); highest among the groups gnomAD compares: Non-Finnish European, 0.017%; 22 homozygotes.

Submission:

CeGaT Center for Human Genetics Tuebingen
Classification: Likely benign. Last evaluated: 2023-11-01. Review status: criteria provided, single submitter. Criteria: CeGaT Center For Human Genetics Tuebingen Variant Classification Criteria Version 2. Collection method: clinical testing. Allele origin: germline. Affected: yes. Observed: 1 variant allele.
Comment: PCDHA10: BP4, BP7